The following is an entry in ClinVar:

NM_006329.4(FBLN5):c.989+13G>A

Gene: FBLN5 (fibulin 5; minus strand). Cytogenetic location: 14q32.12.
Variant type: single nucleotide variant.
Coding change: c.989+13G>A on transcript NM_006329.4 (MANE Select); 13 bases into the intron after coding-DNA position 989, G replaced by A.
Molecular consequence: intron variant.
Genome position (GRCh38, 1-based): chr14:91,881,279, C>T on the plus strand (G>A on the coding strand, the complement: FBLN5 is on the minus strand). VCF-style: chr14-91881279-C-T. GRCh37 (hg19) VCF-style: chr14-92347623-C-T.
Other names: c.989+13G>A (NM_001384160.1); c.1112+13G>A (NM_001384158.1); c.821+13G>A (NM_001384162.1, NM_001384161.1); c.1040+13G>A (NM_001384159.1).
Identifiers: ClinVar variation 163455 (VCV000163455.25), dbSNP rs74071605, ClinGen allele CA176109.

ClinVar aggregate classification (germline): Benign. Review status: criteria provided, multiple submitters, no conflicts (2 of 4 stars). 6 submissions from 5 submitters: Benign (6). Last evaluated 2026-02-02.

Conditions:
Cutis laxa. Identifiers: Orphanet 209, MedGen C0010495, MONDO:0016175, HP:0000973.
Macular degeneration, age-related, 3 (ARMD3). Identifiers: Orphanet 280598, MedGen C1837187, MONDO:0012145, OMIM 608895.

Allele frequency attached by ClinVar (database versions not stated): gnomAD exomes 0.00196 and 0.00494; ExAC 0.00594; gnomAD 0.01322 and 0.01368; TOPMed 0.01411; ESP Exome Variant Server 0.01445; 1000 Genomes Project 0.02177; 1000 Genomes Project 30x 0.02374.
gnomAD v4.1: 4,963 of 1,613,864 alleles (0.31%); highest among the groups gnomAD compares: African/African-American, 4.7%; 104 homozygotes.

Submissions (6):

Labcorp Genetics (formerly Invitae), Labcorp
Classification: Benign. Last evaluated: 2026-02-02. Review status: criteria provided, single submitter. Criteria: Invitae Variant Classification Sherloc (09022015). Collection method: clinical testing. Allele origin: germline.

ARUP Laboratories, Molecular Genetics and Genomics, ARUP Laboratories
Classification: Benign. Last evaluated: 2025-07-01. Review status: criteria provided, single submitter. Criteria: ARUP Molecular Germline Variant Investigation Process 2024. Collection method: clinical testing. Allele origin: germline.

Illumina Laboratory Services, Illumina
Classification: Benign for Macular degeneration, age-related, 3. Last evaluated: 2018-01-13. Review status: criteria provided, single submitter. Criteria: ICSL Variant Classification Criteria 13 December 2019. Collection method: clinical testing. Allele origin: germline.
Comment: This variant was observed in the ICSL laboratory as part of a predisposition screen in an ostensibly healthy population. It had not been previously curated by ICSL or reported in the Human Gene Mutation Database (HGMD: prior to June 1st, 2018), and was therefore a candidate for classification through an automated scoring system. Utilizing variant allele frequency, disease prevalence and penetrance estimates, and inheritance mode, an automated score was calculated to assess if this variant is too frequent to cause the disease. Based on the score and internal cut-off values, a variant classified as benign is not then subjected to further curation. The score for this variant resulted in a classification of benign for this disease.

Illumina Laboratory Services, Illumina
Classification: Benign for Cutis laxa. Last evaluated: 2018-01-13. Review status: criteria provided, single submitter. Criteria: ICSL Variant Classification Criteria 13 December 2019. Collection method: clinical testing. Allele origin: germline.
Comment: the same text as in the submission from Illumina Laboratory Services, Illumina above.

GeneDx
Classification: Benign. Last evaluated: 2016-12-21. Review status: criteria provided, single submitter. Criteria: GeneDx Variant Classification (06012015). Collection method: clinical testing. Allele origin: germline. Affected: yes.
Comment: This variant is considered likely benign or benign based on one or more of the following criteria: it is a conservative change, it occurs at a poorly conserved position in the protein, it is predicted to be benign by multiple in silico algorithms, and/or has population frequency not consistent with disease.

Laboratory for Molecular Medicine, Mass General Brigham Personalized Medicine
Classification: Benign. Last evaluated: 2013-02-21. Review status: criteria provided, single submitter. Criteria: LMM Criteria. Collection method: clinical testing. Allele origin: germline. Observed: 1 variant allele.
Comment: 989+13G>A in intron 9 of FBLN5: This variant is not expected to have clinical si gnificance because it is not located within the conserved splice consensus seque nce. It has been identified in 4.3% (188/4406) of African American chromosomes f rom a broad population by the NHLBI Exome Sequencing Project (dbSNP rs74071605).